The following is an entry in ClinVar:

NM_003742.4(ABCB11):c.2606A>C (p.Gln869Pro)

Gene: ABCB11 (ATP binding cassette subfamily B member 11; minus strand). Cytogenetic location: 2q31.1.
Variant type: single nucleotide variant.
Coding change: c.2606A>C on transcript NM_003742.4 (MANE Select); coding-DNA position 2606, A replaced by C.
Protein change: p.Gln869Pro; replaces glutamine 869 with proline.
Molecular consequence: missense variant.
Genome position (GRCh38, 1-based): chr2:168,944,609, T>G on the plus strand (A>C on the coding strand, the complement: ABCB11 is on the minus strand). VCF-style: chr2-168944609-T-G. GRCh37 (hg19) VCF-style: chr2-169801119-T-G.
Other names: short protein forms Q869P.
Identifiers: ClinVar variation 3896361 (VCV003896361.3).

ClinVar aggregate classification (germline): Uncertain significance. Review status: criteria provided, multiple submitters, no conflicts (2 of 4 stars). 2 submissions from 2 submitters: Uncertain significance (2). Last evaluated 2026-04-14.

Conditions:
Familial intrahepatic cholestasis. Identifiers: Orphanet 284385, MedGen CN296401, MONDO:0017290.

Submissions (2):

Genomenon, Inc
Classification: Uncertain significance for Familial intrahepatic cholestasis. Last evaluated: 2026-04-14. Review status: criteria provided, single submitter. Criteria: Genomenon Sequence Variant Interpretation Standards - Updated. Collection method: curation. Allele origin: germline. Affected: yes.
Comment: ABCB11 p.Gln869Pro (c.2606A>C) is a missense variant that changes the amino acid at residue 869 from Glutamine to Proline. This variant has been observed in at least one proband with an ABCB11-related disorder (PMID:19845854). It is absent or not present at a significant frequency in gnomAD. In silico models predict that this variant is possibly or probably damaging. In conclusion, we classify ABCB11 p.Gln869Pro (c.2606A>C) as a variant of uncertain significance.

Women's Health and Genetics/Laboratory Corporation of America, LabCorp
Classification: Uncertain significance. Last evaluated: 2025-04-09. Review status: criteria provided, single submitter. Criteria: LabCorp Variant Classification Summary - May 2015. Collection method: clinical testing. Allele origin: germline.
Comment: Variant summary: ABCB11 c.2606A>C (p.Gln869Pro) results in a non-conservative amino acid change located in the ABC transporter type 1, transmembrane domain (IPR011527) of the encoded protein sequence. Four of five in-silico tools predict a damaging effect of the variant on protein function. The variant was absent in 242616 control chromosomes. The available data on variant occurrences in the general population are insufficient to allow any conclusion about variant significance. c.2606A>C has been reported in the literature in a compound heterozygous individual affected with Familial Intrahepatic Cholestasis (Liu_2009). These report(s) do not provide unequivocal conclusions about association of the variant with Familial Intrahepatic Cholestasis. To our knowledge, no experimental evidence demonstrating an impact on protein function has been reported. The following publication have been ascertained in the context of this evaluation (PMID: 19845854). No submitters have cited clinical-significance assessments for this variant to ClinVar. Based on the evidence outlined above, the variant was classified as uncertain significance.

Literature cited by the submitters: PubMed 19845854 (cited by Genomenon, Inc and Women's Health and Genetics/Laboratory Corporation of America, LabCorp).